The following is an entry in ClinVar:

NM_001388453.1(QRICH2):c.5517C>T (p.Ser1839=)

Gene: QRICH2 (glutamine rich 2; minus strand). Cytogenetic location: 17q25.1.
Variant type: single nucleotide variant.
Coding change: c.5517C>T on transcript NM_001388453.1 (MANE Select); coding-DNA position 5517, C replaced by T.
Protein change: p.Ser1839=; no amino-acid change (serine 1839 retained).
Molecular consequence: synonymous variant. On other transcripts: 3 prime UTR variant (1), non-coding transcript variant (1).
Genome position (GRCh38, 1-based): chr17:76,274,226, G>A on the plus strand (C>T on the coding strand, the complement: QRICH2 is on the minus strand). VCF-style: chr17-76274226-G-A. GRCh37 (hg19) VCF-style: chr17-74270307-G-A.
Other names: c.*10C>T (NM_032134.3).
Identifiers: ClinVar variation 3044140 (VCV003044140.2), dbSNP rs151266908, ClinGen allele CA8783061.

ClinVar aggregate classification (germline): Benign (0 of 4 stars; one submission).

Conditions:
QRICH2-related disorder. Also called: QRICH2-related condition.

Allele frequency attached by ClinVar (database versions not stated): gnomAD exomes 0.00066; ExAC 0.00233; gnomAD 0.00692; TOPMed 0.00793; 1000 Genomes Project 0.00799; ESP Exome Variant Server 0.00838; 1000 Genomes Project 30x 0.00843.
gnomAD v4.1: 2,068 of 1,598,000 alleles (0.13%); highest among the groups gnomAD compares: African/African-American, 2.4%; 25 homozygotes.

Submission:

PreventionGenetics, part of Exact Sciences
Classification: Benign for QRICH2-related condition. Last evaluated: 2024-08-30. Review status: no assertion criteria provided. Collection method: clinical testing. Allele origin: germline.
Comment: This variant is classified as benign based on ACMG/AMP sequence variant interpretation guidelines (Richards et al. 2015 PMID: 25741868, with internal and published modifications).